The following is an entry in ClinVar:

ClinVar aggregate classification (germline): Uncertain significance (1 of 4 stars; one submission).

Conditions:
Beckwith-Wiedemann syndrome (BWS). Also called: Exomphalos macroglossia gigantism syndrome; EMG SYNDROME. Identifiers: Orphanet 116, MedGen C0004903, MONDO:0007534, OMIM 130650.

Allele frequency attached by ClinVar (database versions not stated): gnomAD exomes below 0.00001.
gnomAD v4.1: 2 of 1,554,690 alleles (0.00013%); highest among the groups gnomAD compares: Non-Finnish European, 0.00017%; no homozygotes.

Submission:

Labcorp Genetics (formerly Invitae), Labcorp
Classification: Uncertain significance for Beckwith-Wiedemann syndrome. Last evaluated: 2023-07-23. Review status: criteria provided, single submitter. Criteria: Invitae Variant Classification Sherloc (09022015). Collection method: clinical testing. Allele origin: germline.
Comment: In summary, the available evidence is currently insufficient to determine the role of this variant in disease. Therefore, it has been classified as a Variant of Uncertain Significance. Advanced modeling of protein sequence and biophysical properties (such as structural, functional, and spatial information, amino acid conservation, physicochemical variation, residue mobility, and thermodynamic stability) performed at Invitae indicates that this missense variant is not expected to disrupt CDKN1C protein function. This variant has not been reported in the literature in individuals affected with CDKN1C-related conditions. This variant is not present in population databases (gnomAD no frequency). This sequence change replaces alanine, which is neutral and non-polar, with valine, which is neutral and non-polar, at codon 301 of the CDKN1C protein (p.Ala301Val).

NM_001122630.2(CDKN1C):c.869C>T (p.Ala290Val)

Gene: CDKN1C (cyclin dependent kinase inhibitor 1C; minus strand). Cytogenetic location: 11p15.4.
Variant type: single nucleotide variant.
Coding change: c.869C>T on transcript NM_001122630.2 (MANE Select); coding-DNA position 869, C replaced by T.
Protein change: p.Ala290Val; replaces alanine 290 with valine.
Molecular consequence: missense variant.
Genome position (GRCh38, 1-based): chr11:2,884,053, G>A on the plus strand (C>T on the coding strand, the complement: CDKN1C is on the minus strand). VCF-style: chr11-2884053-G-A. GRCh37 (hg19) VCF-style: chr11-2905283-G-A.
Other names: c.902C>T, p.Ala301Val (NM_001362474.2, NM_000076.2); c.337C>T, p.Pro113Ser (NM_001362475.2); c.869C>T, p.Ala290Val (NM_001122631.2); short protein forms P113S, A290V, A301V.
Identifiers: ClinVar variation 2853492 (VCV002853492.3), dbSNP rs2494379706, ClinGen allele CA379144815.